The following is an entry in ClinVar:

NM_001374385.1(ATP8B1):c.394-3T>C

Gene: ATP8B1 (ATPase phospholipid transporting 8B1; minus strand). Cytogenetic location: 18q21.31.
Variant type: single nucleotide variant.
Coding change: c.394-3T>C on transcript NM_001374385.1 (MANE Select); 3 bases into the intron before coding-DNA position 394, T replaced by C.
Molecular consequence: intron variant.
Genome position (GRCh38, 1-based): chr18:57,701,316, A>G on the plus strand (T>C on the coding strand, the complement: ATP8B1 is on the minus strand). VCF-style: chr18-57701316-A-G. GRCh37 (hg19) VCF-style: chr18-55368548-A-G.
Other names: c.394-3T>C (NM_005603.6); c.244-3T>C (NM_001374386.1).
Identifiers: ClinVar variation 4979813 (VCV004979813.1).
Genomic context (GRCh38, chr18:57,701,316, plus strand): 5'-CCACAAGCAGGGGCACTAGTGTGGTGTACCAAGCCAGGGTAGAGATTTGAGGAACTGCCT[A>G]AAAGAATAAAAGGGCTTATGTGTGTGTCCATGAAGGCATATCAAGCTTACAGGTAACTTA-3'

ClinVar aggregate classification (germline): Likely benign (1 of 4 stars; one submission).

Conditions:
ATP8B1-related disorder. Also called: ATP8B1-related condition; ATP8B1-related disorders.

gnomAD v4.1: 100 of 1,610,726 alleles (0.0062%); highest among the groups gnomAD compares: Non-Finnish European, 0.0074%; no homozygotes.

Submission:

PreventionGenetics, part of Exact Sciences
Classification: Likely benign for ATP8B1-related condition. Last evaluated: 2024-11-26. Review status: criteria provided, single submitter. Criteria: ACMG Guidelines, 2015. Collection method: clinical testing. Allele origin: germline.
Comment: This variant is classified as likely benign based on ACMG/AMP sequence variant interpretation guidelines (Richards et al. 2015 PMID: 25741868, with internal and published modifications).